The following is an entry in ClinVar:

NM_031407.7(HUWE1):c.3887A>T (p.Glu1296Val)

Genes: HUWE1 (HECT, UBA and WWE domain containing E3 ubiquitin protein ligase 1; minus strand), LOC126863263 (BRD4-independent group 4 enhancer GRCh37_chrX:53619238-53620437; plus strand). Cytogenetic location: Xp11.22.
Variant type: single nucleotide variant.
Coding change: c.3887A>T on transcript NM_031407.7 (MANE Select); coding-DNA position 3887, A replaced by T.
Protein change: p.Glu1296Val; replaces glutamic acid 1296 with valine.
Molecular consequence: missense variant.
Genome position (GRCh38, 1-based): chrX:53,592,483, T>A on the plus strand (A>T on the coding strand, the complement: HUWE1 is on the minus strand). VCF-style: chrX-53592483-T-A. GRCh37 (hg19) VCF-style: chrX-53619443-T-A.
Other names: short protein forms E1296V.
Identifiers: ClinVar variation 1199539 (VCV001199539.7), dbSNP rs1556980171, ClinGen allele CA413177636.

ClinVar aggregate classification (germline): Uncertain significance. Review status: criteria provided, multiple submitters, no conflicts (2 of 4 stars). 2 submissions from 2 submitters: Uncertain significance (2). Last evaluated 2024-05-10.

Allele frequency attached by ClinVar (database versions not stated): gnomAD 0.00001; gnomAD exomes 0.00001.

Submissions (2):

Labcorp Genetics (formerly Invitae), Labcorp
Classification: Uncertain significance. Last evaluated: 2024-05-10. Review status: criteria provided, single submitter. Criteria: Invitae Variant Classification Sherloc (09022015). Collection method: clinical testing. Allele origin: germline.
Comment: This sequence change replaces glutamic acid, which is acidic and polar, with valine, which is neutral and non-polar, at codon 1296 of the HUWE1 protein (p.Glu1296Val). This variant is present in population databases (no rsID available, gnomAD 0.008%), including at least one homozygous and/or hemizygous individual. This variant has not been reported in the literature in individuals affected with HUWE1-related conditions. ClinVar contains an entry for this variant (Variation ID: 1199539). Advanced modeling of protein sequence and biophysical properties (such as structural, functional, and spatial information, amino acid conservation, physicochemical variation, residue mobility, and thermodynamic stability) has been performed at Invitae for this missense variant, however the output from this modeling did not meet the statistical confidence thresholds required to predict the impact of this variant on HUWE1 protein function. In summary, the available evidence is currently insufficient to determine the role of this variant in disease. Therefore, it has been classified as a Variant of Uncertain Significance.

GeneDx
Classification: Uncertain significance. Last evaluated: 2022-12-02. Review status: criteria provided, single submitter. Criteria: GeneDx Variant Classification Process June 2021. Collection method: clinical testing. Allele origin: germline. Affected: yes.
Comment: In silico analysis supports that this missense variant has a deleterious effect on protein structure/function; Has not been previously published as pathogenic or benign to our knowledge